The following is an entry in ClinVar:

NM_015346.4(ZFYVE26):c.4060del (p.Arg1354fs)

Gene: ZFYVE26 (zinc finger FYVE-type containing 26; minus strand). Cytogenetic location: 14q24.1.
Variant type: Deletion.
Coding change: c.4060del on transcript NM_015346.4 (MANE Select); coding-DNA position 4060, one base deleted (C; older notation c.4060delC).
Protein change: p.Arg1354fs; shifts the reading frame from arginine 1354.
Molecular consequence: frameshift variant.
Genome position (GRCh38, 1-based): chr14:67,783,092, G deleted on the plus strand (C on the coding strand, the reverse complement: ZFYVE26 is on the minus strand); the first of 3 consecutive G bases (chr14:67,783,092-67,783,094); deleting any one gives the same sequence. VCF-style (leftmost placement, unchanged base first): chr14-67783091-CG-C. GRCh37 (hg19) VCF-style: chr14-68249808-CG-C.
Other names: short protein forms R1354fs.
Identifiers: ClinVar variation 2633507 (VCV002633507.1), dbSNP rs2502806034, ClinGen allele CA2695199836.
Genomic context (GRCh38, chr14:67,783,091, plus strand): 5'-CAGGCAGCCAGGAGGAAGGCCTCAAACAGAGGGAATTGTTCCAGAAGGCGCTCACACTCC[CG>C]GGCTACCTGCTCTGCAGCCAGAGGCACCTCCCTGCGGCCACGAAGTTCCTTCCATGACAA-3'

ClinVar aggregate classification (germline): Likely pathogenic (1 of 4 stars; one submission).

Conditions:
ZFYVE26-related disorder. Also called: ZFYVE26-related condition.

Submission:

PreventionGenetics, part of Exact Sciences
Classification: Likely pathogenic for ZFYVE26-related condition. Last evaluated: 2023-03-31. Review status: criteria provided, single submitter. Criteria: ACMG Guidelines, 2015. Collection method: clinical testing. Allele origin: germline.
Comment: The ZFYVE26 c.4060delC variant is predicted to result in a frameshift and premature protein termination (p.Arg1354Glyfs*36). To our knowledge, this variant has not been reported in the literature or in a large population database, indicating this variant is rare. Frameshift variants in ZFYVE26 are expected to be pathogenic. This variant is interpreted as likely pathogenic.